The following is an entry in ClinVar:

NM_203447.4(DOCK8):c.6287C>G (p.Ser2096Ter)

Gene: DOCK8 (dedicator of cytokinesis 8; plus strand). Cytogenetic location: 9p24.3.
Variant type: single nucleotide variant.
Coding change: c.6287C>G on transcript NM_203447.4 (MANE Select); coding-DNA position 6287, C replaced by G.
Protein change: p.Ser2096Ter; replaces serine 2096 with a stop codon.
Molecular consequence: nonsense.
Genome position (GRCh38, 1-based): chr9:464,206, C>G. VCF-style: chr9-464206-C-G. GRCh37 (hg19) VCF-style: chr9-464206-C-G.
Other names: c.5987C>G, p.Ser1996Ter (NM_001190458.2); c.6083C>G, p.Ser2028Ter (NM_001193536.2); short protein forms S1996*, S2028*, S2096*.
Identifiers: ClinVar variation 4887185 (VCV004887185.1).
Genomic context (GRCh38, chr9:464,206, plus strand): 5'-TTCTTAATTTCAGGGACTCCTTCCACAGATCTAGTTTCAGGAAATGTGAAACCCAGTTGT[C>G]ACAGGGCAGCTAAGAAAAGCCATCTTCATTCGTGGAGACTGTGGCCCTGCAACCCTGGAG-3'

ClinVar aggregate classification (germline): Uncertain significance (1 of 4 stars; one submission).

gnomAD v4.1: 28 of 1,613,826 alleles (0.0017%); highest among the groups gnomAD compares: South Asian, 0.015%; no homozygotes.

Submission:

Women's Health and Genetics/Laboratory Corporation of America, LabCorp
Classification: Uncertain significance. Last evaluated: 2026-06-17. Review status: criteria provided, single submitter. Criteria: LabCorp Variant Classification Summary - May 2015. Collection method: clinical testing. Allele origin: germline.
Comment: Variant summary: DOCK8 c.6287C>G (p.Ser2096X) results in a premature termination codon in the last exon and is predicted to cause a truncation of the encoded protein however, nonsense mediated decay is not expected to occur. The variant allele was found at a frequency of 1.2e-05 in 251478 control chromosomes. The available data on variant occurrences in the general population are insufficient to allow any conclusion about variant significance. To our knowledge, no occurrence of c.6287C>G in individuals affected with DOCK8-related conditions and no experimental evidence demonstrating its impact on protein function have been reported. No submitters have cited clinical-significance assessments for this variant to ClinVar. Based on the evidence outlined above, the variant was classified as uncertain significance.